The following is an entry in ClinVar:

NM_021942.6(TRAPPC11):c.282A>C (p.Pro94=)

Gene: TRAPPC11 (trafficking protein particle complex subunit 11; plus strand). Cytogenetic location: 4q35.1.
Variant type: single nucleotide variant.
Coding change: c.282A>C on transcript NM_021942.6 (MANE Select); coding-DNA position 282, A replaced by C.
Protein change: p.Pro94=; no amino-acid change (proline 94 retained).
Molecular consequence: synonymous variant.
Genome position (GRCh38, 1-based): chr4:183,666,334, A>C. VCF-style: chr4-183666334-A-C. GRCh37 (hg19) VCF-style: chr4-184587487-A-C.
Other names: c.282A>C, p.Pro94= (NM_199053.3).
Identifiers: ClinVar variation 261452 (VCV000261452.45), dbSNP rs148105529, ClinGen allele CA3151542.

ClinVar aggregate classification (germline): Benign/Likely benign. Review status: criteria provided, multiple submitters, no conflicts (2 of 4 stars). 9 submissions from 9 submitters: Benign (1); Likely benign (8). Last evaluated 2026-08-01.

Conditions:
Autosomal recessive limb-girdle muscular dystrophy type R18 (LGMDR18). Also called: Autosomal recessive limb-girdle muscular dystrophy type 2S; MUSCULAR DYSTROPHY, LIMB-GIRDLE, AUTOSOMAL RECESSIVE 18; Limb-girdle muscular dystrophy, type 2S. Identifiers: Orphanet 369840, MedGen C4517996, MONDO:0014144, OMIM 615356.

Allele frequency attached by ClinVar (database versions not stated): gnomAD exomes 0.00044 and 0.00109; ExAC 0.00047; gnomAD 0.00067 and 0.00072; TOPMed 0.00067; ESP Exome Variant Server 0.00077.
gnomAD v4.1: 1,673 of 1,614,094 alleles (0.1%); highest among the groups gnomAD compares: Non-Finnish European, 0.13%; 1 homozygote.

Submissions (9):

CeGaT Center for Human Genetics Tuebingen
Classification: Likely benign. Last evaluated: 2026-08-01. Review status: criteria provided, single submitter. Criteria: CeGaT Center For Human Genetics Tuebingen Variant Classification Criteria Version 2. Collection method: clinical testing. Allele origin: germline. Affected: yes. Observed: 5 variant alleles.
Comment: TRAPPC11: BP4, BP7

Women's Health and Genetics/Laboratory Corporation of America, LabCorp
Classification: Likely benign. Last evaluated: 2026-05-07. Review status: criteria provided, single submitter. Criteria: LabCorp Variant Classification Summary - May 2015. Collection method: clinical testing. Allele origin: germline.

Labcorp Genetics (formerly Invitae), Labcorp
Classification: Likely benign for Autosomal recessive limb-girdle muscular dystrophy type R18. Last evaluated: 2026-01-31. Review status: criteria provided, single submitter. Criteria: Invitae Variant Classification Sherloc (09022015). Collection method: clinical testing. Allele origin: germline.

Laboratory of Genetics, Children's Clinical University Hospital Latvia
Classification: Likely benign. Last evaluated: 2025-02-16. Review status: criteria provided, single submitter. Criteria: ACMG Guidelines, 2015. Collection method: clinical testing. Allele origin: germline. Affected: yes.

Blueprint Genetics
Classification: Likely benign. Last evaluated: 2024-11-07. Review status: criteria provided, single submitter. Criteria: ACMG Guidelines, 2015. Collection method: clinical testing. Allele origin: germline.

Athena Diagnostics
Classification: Benign. Last evaluated: 2024-09-30. Review status: criteria provided, single submitter. Criteria: Athena Diagnostics Criteria. Collection method: clinical testing. Allele origin: unknown.

Revvity Omics, Revvity
Classification: Likely benign for Autosomal recessive limb-girdle muscular dystrophy type R18. Last evaluated: 2024-09-14. Review status: criteria provided, single submitter. Criteria: ACMG Guidelines, 2015. Collection method: clinical testing. Allele origin: germline.

GeneDx
Classification: Likely benign. Last evaluated: 2021-06-14. Review status: criteria provided, single submitter. Criteria: GeneDx Variant Classification Process June 2021. Collection method: clinical testing. Allele origin: germline. Affected: yes.

PreventionGenetics, part of Exact Sciences
Classification: Likely benign. Review status: criteria provided, single submitter. Criteria: ACMG Guidelines, 2015. Collection method: clinical testing. Allele origin: germline.